The following is an entry in ClinVar:

NM_001458.5(FLNC):c.7597G>A (p.Ala2533Thr)

Genes: FLNC-AS1 (FLNC antisense RNA 1; minus strand), FLNC (filamin C; plus strand). Cytogenetic location: 7q32.1.
Variant type: single nucleotide variant.
Coding change: c.7597G>A on transcript NM_001458.5 (MANE Select); coding-DNA position 7597, G replaced by A.
Protein change: p.Ala2533Thr; replaces alanine 2533 with threonine.
Molecular consequence: missense variant.
Genome position (GRCh38, 1-based): chr7:128,857,153, G>A. VCF-style: chr7-128857153-G-A. GRCh37 (hg19) VCF-style: chr7-128497207-G-A.
Other names: c.7498G>A, p.Ala2500Thr (NM_001127487.2); short protein forms A2533T, A2500T.
Identifiers: ClinVar variation 2950955 (VCV002950955.3), dbSNP rs370419207, ClinGen allele CA369219300.

ClinVar aggregate classification (germline): Uncertain significance (1 of 4 stars; one submission).

Conditions:
Myofibrillar myopathy 5. Also called: Filaminopathy (type); FILAMINOPATHY, AUTOSOMAL DOMINANT. Identifiers: Orphanet 171445, MedGen C1836050, MONDO:0012289, OMIM 609524.
Distal myopathy with posterior leg and anterior hand involvement. Also called: WILLIAMS DISTAL MYOPATHY. Identifiers: Orphanet 63273, MedGen C3279722, MONDO:0013550, OMIM 614065.
Hypertrophic cardiomyopathy 26. Also called: Cardiomyopathy, familial hypertrophic, 26. Identifiers: Orphanet 75249, MedGen C4310749, MONDO:0014883, OMIM 617047.

gnomAD v4.1: 3 of 1,614,130 alleles (0.00019%); highest among the groups gnomAD compares: Non-Finnish European, 0.00025%; no homozygotes.

Submission:

Labcorp Genetics (formerly Invitae), Labcorp
Classification: Uncertain significance for Distal myopathy with posterior leg and anterior hand involvement; Myofibrillar myopathy 5; Hypertrophic cardiomyopathy 26. Last evaluated: 2023-08-31. Review status: criteria provided, single submitter. Criteria: Invitae Variant Classification Sherloc (09022015). Collection method: clinical testing. Allele origin: germline.
Comment: This sequence change replaces alanine, which is neutral and non-polar, with threonine, which is neutral and polar, at codon 2533 of the FLNC protein (p.Ala2533Thr). This variant is not present in population databases (gnomAD no frequency). In summary, the available evidence is currently insufficient to determine the role of this variant in disease. Therefore, it has been classified as a Variant of Uncertain Significance. Advanced modeling of protein sequence and biophysical properties (such as structural, functional, and spatial information, amino acid conservation, physicochemical variation, residue mobility, and thermodynamic stability) performed at Invitae indicates that this missense variant is not expected to disrupt FLNC protein function. This variant has not been reported in the literature in individuals affected with FLNC-related conditions.